The following is an entry in ClinVar:

NM_000127.3(EXT1):c.1806dup (p.Lys603Ter)

Gene: EXT1 (exostosin glycosyltransferase 1; minus strand). Cytogenetic location: 8q24.11.
Variant type: Duplication.
Coding change: c.1806dup on transcript NM_000127.3 (MANE Select); coding-DNA position 1806, one base duplicated (T; older notation c.1806dupT).
Protein change: p.Lys603Ter; replaces lysine 603 with a stop codon.
Molecular consequence: nonsense.
Genome position (GRCh38, 1-based): chr8:117,807,294, A duplicated on the plus strand (T on the coding strand, the reverse complement: EXT1 is on the minus strand). VCF-style (leftmost placement, unchanged base first): chr8-117807293-T-TA. GRCh37 (hg19) VCF-style: chr8-118819532-T-TA.
Other names: short protein forms K603*.
Identifiers: ClinVar variation 959982 (VCV000959982.8), dbSNP rs1823253516, ClinGen allele CA1139660718.
Genomic context (GRCh38, chr8:117,807,293, plus strand): 5'-CTCCTGTCAACACCATGGAGTAGTCGTTCGTCCACTTTGATGTGTATCCCCACCGCTCCT[T>TA]AGAGTTATCCCAGAAGTGGCTGCGCGCGGGGTACCCCACAATCCTCTCAGGGAAGCTCTG-3'

ClinVar aggregate classification (germline): Pathogenic. Review status: criteria provided, single submitter (1 of 4 stars). 2 submissions from 2 submitters: Pathogenic (1). 1 of the submissions does not count toward it. Last evaluated 2021-12-09.

Conditions:
Exostoses, multiple, type 1 (EXT1). Also called: EXOSTOSES, MULTIPLE, TYPE I; Hereditary Multiple Osteochondromatosis, Type I. Identifiers: MedGen CN263289, MONDO:0007585, OMIM 133700.
Multiple congenital exostosis (EXT). Also called: Multiple exostoses; Hereditary multiple osteochondromas; Hereditary multiple exostoses; Hereditary multiple exostosis; Multiple osteochondromas; MULTIPLE CARTILAGINOUS EXOSTOSES. Identifiers: Orphanet 321, MedGen C0015306, MONDO:0005508, HP:0002762.

Allele frequency attached by ClinVar (database versions not stated): gnomAD exomes below 0.00001.

Submissions (2):

Labcorp Genetics (formerly Invitae), Labcorp
Classification: Pathogenic for Multiple congenital exostosis. Last evaluated: 2021-12-09. Review status: criteria provided, single submitter. Criteria: Invitae Variant Classification Sherloc (09022015). Collection method: clinical testing. Allele origin: germline.
Comment: This variant is not present in population databases (gnomAD no frequency). This sequence change creates a premature translational stop signal (p.Lys603*) in the EXT1 gene. It is expected to result in an absent or disrupted protein product. Loss-of-function variants in EXT1 are known to be pathogenic (PMID: 10679937, 11391482, 19810120). This premature translational stop signal has been observed in individual(s) with multiple exostoses (PMID: 10713884). For these reasons, this variant has been classified as Pathogenic. ClinVar contains an entry for this variant (Variation ID: 959982).

Research Laboratory Environment, Inflammation, Signaling and Pathologies, Faculty of Medicine, University of Monastir
Classification: Pathogenic for Exostoses, multiple, type 1. Review status: no assertion criteria provided. Collection method: research. Allele origin: germline. Affected: yes. Not counted in ClinVar's aggregate classification.
Comment: * The novel variant is identified in a gene (EXT1) definitively known to cause the disease (Strong evidence) * The variant is identified in the EXT1 (fully penetrant dominant gene) gene where loss-of-function is a known mechanism of the disease * Patient phenotype is highly specific for the disease (Hereditary multiple exostoses) and the EXT1 gene is reported to be more frequently mutated (70%) * The novel variant may be linked to the functional loss of the protein by truncating the glycosyltransferase domain * The functional mutation prediction tools revealed that the newly identified mutation may affect the EXT1 protein function and lead to the disease occurrence. Similarly, the structure modeling analysis revealed that the identified EXT1 mutation disturbed the predicted three-dimensional structure of the truncated protein and led to the protein’s function loss.

Literature cited by the submitters: PubMed 10679937 (cited by Labcorp Genetics (formerly Invitae), Labcorp); PubMed 11391482 (cited by Labcorp Genetics (formerly Invitae), Labcorp); PubMed 19810120 (cited by Labcorp Genetics (formerly Invitae), Labcorp); PubMed 10713884 (cited by Labcorp Genetics (formerly Invitae), Labcorp).